The following is an entry in ClinVar:

NM_032608.7(MYO18B):c.6955G>A (p.Gly2319Ser)

Gene: MYO18B (myosin XVIIIB; plus strand). Cytogenetic location: 22q12.1.
Variant type: single nucleotide variant.
Coding change: c.6955G>A on transcript NM_032608.7 (MANE Select); coding-DNA position 6955, G replaced by A.
Protein change: p.Gly2319Ser; replaces glycine 2319 with serine.
Molecular consequence: missense variant.
Genome position (GRCh38, 1-based): chr22:26,026,929, G>A. VCF-style: chr22-26026929-G-A. GRCh37 (hg19) VCF-style: chr22-26422895-G-A.
Other names: c.6958G>A, p.Gly2320Ser (NM_001318245.2); short protein forms G2320S, G2319S.
Identifiers: ClinVar variation 1972280 (VCV001972280.5), dbSNP rs1198659083, ClinGen allele CA411011439.

ClinVar aggregate classification (germline): Uncertain significance (1 of 4 stars; one submission).

Allele frequency attached by ClinVar (database versions not stated): gnomAD exomes below 0.00001; TOPMed below 0.00001; gnomAD 0.00001.
gnomAD v4.1: 3 of 1,612,592 alleles (0.00019%); highest among the groups gnomAD compares: Non-Finnish European, 0.00025%; no homozygotes.

Submission:

Labcorp Genetics (formerly Invitae), Labcorp
Classification: Uncertain significance. Last evaluated: 2021-12-14. Review status: criteria provided, single submitter. Criteria: Invitae Variant Classification Sherloc (09022015). Collection method: clinical testing. Allele origin: germline.
Comment: In summary, the available evidence is currently insufficient to determine the role of this variant in disease. Therefore, it has been classified as a Variant of Uncertain Significance. Algorithms developed to predict the effect of missense changes on protein structure and function are either unavailable or do not agree on the potential impact of this missense change (SIFT: "Not Available"; PolyPhen-2: "Benign"; Align-GVGD: "Not Available"). This variant has not been reported in the literature in individuals affected with MYO18B-related conditions. This variant is present in population databases (no rsID available, gnomAD 0.0009%). This sequence change replaces glycine, which is neutral and non-polar, with serine, which is neutral and polar, at codon 2319 of the MYO18B protein (p.Gly2319Ser).